The following is an entry in ClinVar:

NM_182914.3(SYNE2):c.20038C>T (p.Arg6680Ter)

Gene: SYNE2 (spectrin repeat containing nuclear envelope protein 2; plus strand). Cytogenetic location: 14q23.2.
Variant type: single nucleotide variant.
Coding change: c.20038C>T on transcript NM_182914.3 (MANE Select); coding-DNA position 20038, C replaced by T.
Protein change: p.Arg6680Ter; replaces arginine 6680 with a stop codon.
Molecular consequence: nonsense.
Genome position (GRCh38, 1-based): chr14:64,220,614, C>T. VCF-style: chr14-64220614-C-T. GRCh37 (hg19) VCF-style: chr14-64687332-C-T.
Other names: c.19969C>T, p.Arg6657Ter (NM_015180.6); c.562C>T, p.Arg188Ter (NM_182910.2); c.940C>T, p.Arg314Ter (NM_182913.4); short protein forms R188*, R314*, R6657*, R6680*.
Identifiers: ClinVar variation 1027159 (VCV001027159.6), dbSNP rs753598628, ClinGen allele CA7224666.

ClinVar aggregate classification (germline): Uncertain significance (1 of 4 stars; one submission).

Conditions:
Emery-Dreifuss muscular dystrophy 5, autosomal dominant (EDMD5). Also called: EMERY-DREIFUSS MUSCULAR DYSTROPHY 5. Identifiers: Orphanet 261, MedGen C2751805, MONDO:0013072, OMIM 612999.

Allele frequency attached by ClinVar (database versions not stated): TOPMed below 0.00001; ExAC 0.00001.
gnomAD v4.1: 8 of 1,613,996 alleles (0.0005%); highest among the groups gnomAD compares: East Asian, 0.0022%; no homozygotes.

Submission:

Labcorp Genetics (formerly Invitae), Labcorp
Classification: Uncertain significance for Emery-Dreifuss muscular dystrophy 5, autosomal dominant. Last evaluated: 2020-08-19. Review status: criteria provided, single submitter. Criteria: Invitae Variant Classification Sherloc (09022015). Collection method: clinical testing. Allele origin: germline.
Comment: In summary, the available evidence is currently insufficient to determine the role of this variant in disease. Therefore, it has been classified as a Variant of Uncertain Significance. The current clinical and genetic evidence is not sufficient to establish whether loss-of-function variants in SYNE2 cause disease. This variant has not been reported in the literature in individuals with SYNE2-related conditions. This variant is present in population databases (rs753598628, ExAC 0.01%). This sequence change creates a premature translational stop signal (p.Arg6680*) in the SYNE2 gene. It is expected to result in an absent or disrupted protein product.